The following is an entry in ClinVar:

ClinVar aggregate classification (germline): Likely pathogenic (0 of 4 stars; one submission).

Conditions:
Intellectual disability, autosomal recessive 42 (NEDDSBA). Also called: GLYCOSYLPHOSPHATIDYLINOSITOL BIOSYNTHESIS DEFECT 9; Neurodevelopmental disorder with dysmorphic features, spasticity, and brain abnormalities. Identifiers: Orphanet 88616, MedGen C4014343, MONDO:0014348, OMIM 615802.

Submission:

SC Genetica Medica, ASST Santi Paolo e Carlo
Classification: Likely pathogenic for Intellectual disability, autosomal recessive 42. Last evaluated: 2024-01-22. Review status: no assertion criteria provided. Collection method: clinical testing. Allele origin: biparental, not applicable. Inheritance: Autosomal recessive inheritance. Affected: yes. Observed: 1 homozygote. Functional consequence: sequence variant affecting splice donor.
Comment: This variant is localized in the consensus sequence of the donor splice site in exon 12, and sequencing of the patient's cDNA shows skipping of exon 12 and the introduction of a premature stop codon at the amino acid 409. In summary, the Lys424Lys variant meets our criteria to be classified as likely pathogenic.

NM_024989.4(PGAP1):c.1272G>A (p.Lys424=)

Gene: PGAP1 (post-GPI attachment to proteins inositol deacylase 1; minus strand). Cytogenetic location: 2q33.1.
Variant type: single nucleotide variant.
Coding change: c.1272G>A on transcript NM_024989.4 (MANE Select); coding-DNA position 1272, G replaced by A.
Protein change: p.Lys424=; no amino-acid change (lysine 424 retained).
Molecular consequence: synonymous variant.
Genome position (GRCh38, 1-based): chr2:196,885,424, C>T on the plus strand (G>A on the coding strand, the complement: PGAP1 is on the minus strand). VCF-style: chr2-196885424-C-T. GRCh37 (hg19) VCF-style: chr2-197750148-C-T.
Other names: c.750G>A, p.Lys250= (NM_001321099.2); c.105G>A, p.Lys35= (NM_001321100.2).
Identifiers: ClinVar variation 2687791 (VCV002687791.4), dbSNP rs2468647366, ClinGen allele CA430545786.
Genomic context (GRCh38, chr2:196,885,424, plus strand): 5'-TGTGTATAGACTCAAGTATTTTTTTCAACTGAATATTAAAATTCTGAAGCCATAATTTAC[C>T]TTAATTGTTGGCAGCAGTTCAGCTTTCCATGATAAATCAACCCCTTGCAGGCTTTGAAAT-3'
Protein context (NP_079265.2, residues 414-434): SWKAELLPTI[Lys424=]YLTLRLQDYP